The following is an entry in ClinVar:

ClinVar aggregate classification (germline): Uncertain significance (1 of 4 stars; one submission).

Conditions:
Hereditary cancer-predisposing syndrome. Also called: Tumor predisposition; Hereditary neoplastic syndrome; Neoplastic Syndromes, Hereditary; Hereditary Cancer Syndrome. Identifiers: Orphanet 140162, MedGen C0027672, MeSH D009386, MONDO:0015356.

gnomAD v4.1: 1 of 1,614,246 alleles (0.000062%); highest among the groups gnomAD compares: Non-Finnish European, 0.000085%; no homozygotes.

Submission:

Ambry Genetics
Classification: Uncertain significance for Hereditary cancer-predisposing syndrome. Last evaluated: 2025-06-07. Review status: criteria provided, single submitter. Criteria: Ambry Variant Classification Scheme 2023. Collection method: clinical testing. Allele origin: germline.
Comment: The p.E46K variant (also known as c.136G>A), located in coding exon 1 of the CDKN1B gene, results from a G to A substitution at nucleotide position 136. The glutamic acid at codon 46 is replaced by lysine, an amino acid with similar properties. This amino acid position is conserved. In addition, this alteration is predicted to be tolerated by in silico analysis. Based on the available evidence, the clinical significance of this variant remains unclear.

NM_004064.5(CDKN1B):c.136G>A (p.Glu46Lys)

Gene: CDKN1B (cyclin dependent kinase inhibitor 1B; plus strand). Cytogenetic location: 12p13.1.
Variant type: single nucleotide variant.
Coding change: c.136G>A on transcript NM_004064.5 (MANE Select); coding-DNA position 136, G replaced by A.
Protein change: p.Glu46Lys; replaces glutamic acid 46 with lysine.
Molecular consequence: missense variant.
Genome position (GRCh38, 1-based): chr12:12,717,975, G>A. VCF-style: chr12-12717975-G-A. GRCh37 (hg19) VCF-style: chr12-12870909-G-A.
Other names: short protein forms E46K.
Identifiers: ClinVar variation 3999757 (VCV003999757.1).